The following is an entry in ClinVar:

ClinVar aggregate classification (germline): Conflicting classifications of pathogenicity. Review status: criteria provided, conflicting classifications (1 of 4 stars). 10 submissions from 10 submitters: Uncertain significance (6); Likely benign (1). 3 of the submissions do not count toward it. Last evaluated 2026-02-12.

Conditions:
Hereditary cancer-predisposing syndrome. Also called: Hereditary neoplastic syndrome; Neoplastic Syndromes, Hereditary; Hereditary Cancer Syndrome; Tumor predisposition. Identifiers: Orphanet 140162, MedGen C0027672, MeSH D009386, MONDO:0015356.
Hereditary breast ovarian cancer syndrome. Also called: Hereditary breast and ovarian cancer syndrome (HBOC); Breast and ovarian cancer; Hereditary breast and ovarian cancer syndrome; BRCA1- and BRCA2-Associated Hereditary Breast and Ovarian Cancer; Hereditary breast and/or ovarian cancer syndrome; Hereditary breast and ovarian cancer. Identifiers: Orphanet 145, MedGen C0677776, MeSH D061325, MONDO:0003582. Disease mechanism: loss of function.
Breast-ovarian cancer, familial, susceptibility to, 2 (BROVCA2). Also called: BRCA2 Hereditary Breast and Ovarian Cancer. Identifiers: Orphanet 145, MedGen C2675520, MONDO:0012933, OMIM 612555. Disease mechanism: loss of function.

Allele frequency attached by ClinVar (database versions not stated): gnomAD exomes below 0.00001.
gnomAD v4.1: 5 of 1,609,678 alleles (0.00031%); highest among the groups gnomAD compares: Non-Finnish European, 0.00034%; no homozygotes.

Submissions (10):

Women's Health and Genetics/Laboratory Corporation of America, LabCorp
Classification: Uncertain significance. Last evaluated: 2026-02-12. Review status: criteria provided, single submitter. Criteria: LabCorp Variant Classification Summary - May 2015. Collection method: clinical testing. Allele origin: germline.
Comment: Variant summary: BRCA2 c.455C>A (p.Thr152Lys) results in a non-conservative amino acid change in the encoded protein sequence. Algorithms developed to predict the effect of missense changes on protein structure and function are either unavailable or do not agree on the potential impact of this missense change. The variant was absent in 251058 control chromosomes (gnomAD). The available data on variant occurrences in the general population are insufficient to allow any conclusion about variant significance. c.455C>A has been observed in individuals affected with unilateral breast cancer (example: Borg_2010) and in esophageal cancer as a VUS, in the presence of other causative variants (example: Quy_2023). These reports do not provide unequivocal conclusions about association of the variant with Hereditary Breast And Ovarian Cancer Syndrome. One publication reports experimental evidence evaluating an impact on protein function, however, does not allow convincing conclusions about the variant effect. The following publications have been ascertained in the context of this evaluation (PMID: 20104584, 21520273, 35428255, 20215541). ClinVar contains an entry for this variant (Variation ID: 51674). Based on the evidence outlined above, the variant was classified as uncertain significance.

Color Diagnostics, LLC DBA Color Health
Classification: Uncertain significance for Hereditary cancer-predisposing syndrome. Last evaluated: 2025-06-04. Review status: criteria provided, single submitter. Criteria: ACMG Guidelines, 2015. Collection method: clinical testing. Allele origin: germline.
Comment: This missense variant replaces threonine with lysine at codon 152 of the BRCA2 protein. Computational prediction suggests that this variant may not impact protein structure and function. An RNA study has shown this variant results in transcripts with partial exon 5 skipping (PMID: 20215541), however a later study showed these transcripts also occur in cells lacking this variant (PMID: 27060066). This variant has been reported in one individual each affected with breast cancer or ovarian cancer (PMID: 20104584, 32885271). Multifactorial analyses have reported likelihood ratios (LR) reaching a combined LR of 0.8310 based on co-occurrence with a pathogenic variant and personal and family history (PMID: 31131967, 31853058). This variant has not been identified in the general population by the Genome Aggregation Database (gnomAD). The available evidence is insufficient to determine the role of this variant in disease conclusively. Therefore, this variant is classified as a Variant of Uncertain Significance.

Quest Diagnostics Nichols Institute San Juan Capistrano
Classification: Uncertain significance. Last evaluated: 2025-04-22. Review status: criteria provided, single submitter. Criteria: Quest Diagnostics criteria. Collection method: clinical testing. Allele origin: unknown.
Comment: The BRCA2 c.455C>A (p.Thr152Lys) variant has been reported in the published literature in at least one individual affected with breast and/or ovarian cancer (PMIDs: 20104584 (2010) and 32885271 (2021)). Additionally, this variant was reported in a multifactorial likelihood study (PMID: 31131967 (2019)) and causes aberrant BRCA2 mRNA splicing according to one functional study (PMID: 21520273 (2011)). This variant has not been reported in large, multi-ethnic general populations (Genome Aggregation Database). Analysis of this variant using bioinformatics tools for the prediction of the effect of amino acid changes on protein structure and function yielded conflicting predictions that this variant is benign or damaging. Based on the available information, we are unable to determine the clinical significance of this variant.

Labcorp Genetics (formerly Invitae), Labcorp
Classification: Likely benign for Hereditary breast ovarian cancer syndrome. Last evaluated: 2024-09-17. Review status: criteria provided, single submitter. Criteria: Invitae Variant Classification Sherloc (09022015). Collection method: clinical testing. Allele origin: germline.

Ambry Genetics
Classification: Uncertain significance for Hereditary cancer-predisposing syndrome. Last evaluated: 2024-07-23. Review status: criteria provided, single submitter. Criteria: Ambry Variant Classification Scheme 2023. Collection method: clinical testing. Allele origin: germline.
Comment: The p.T152K variant (also known as c.455C>A), located in coding exon 4 of the BRCA2 gene, results from a C to A substitution at nucleotide position 455. The threonine at codon 152 is replaced by lysine, an amino acid with similar properties. This variant was observed in 1/3251 individuals who met eligibility criteria for hereditary breast and ovarian cancer syndrome (Lerner-Ellis J et al. J Cancer Res Clin Oncol, 2021 Mar;147:871-879). This amino acid position is highly conserved in available vertebrate species. In addition, this alteration is predicted to be tolerated by in silico analysis. Since supporting evidence is limited at this time, the clinical significance of this alteration remains unclear.

All of Us Research Program, National Institutes of Health
Classification: Uncertain significance for Breast-ovarian cancer, familial, susceptibility to, 2. Last evaluated: 2023-12-13. Review status: criteria provided, single submitter. Criteria: ACMG Guidelines, 2015. Collection method: clinical testing. Allele origin: germline. Inheritance: Autosomal dominant inheritance. Observed: 2 variant alleles, 2 heterozygotes.
Comment: This missense variant replaces threonine with lysine at codon 152 of the BRCA2 protein. Computational prediction suggests that this variant may not impact protein structure and function (internally defined REVEL score threshold <= 0.5, PMID: 27666373). An RNA study has shown this variant results in transcripts with partial exon 5 skipping (PMID: 20215541), however a later study showed these transcripts also occur in cells lacking this variant (PMID: 27060066). This variant has been reported in an individual affected with breast cancer (PMID: 20104584). This variant has not been identified in the general population by the Genome Aggregation Database (gnomAD). The available evidence is insufficient to determine the role of this variant in disease conclusively. Therefore, this variant is classified as a Variant of Uncertain Significance.

This study involves interpretation of variants in research participants for the purpose of population health screening. Participant phenotype was not available at the time of variant classification. Additional details can be found in publication PMID: 35346344, PMCID: PMC8962531

GeneDx
Classification: Uncertain significance. Last evaluated: 2017-10-24. Review status: criteria provided, single submitter. Criteria: GeneDx Variant Classification (06012015). Collection method: clinical testing. Allele origin: germline. Affected: yes.
Comment: This variant is denoted BRCA2 c.455C>A at the cDNA level, p.Thr152Lys (T152K) at the protein level, and results in the change of a Threonine to a Lysine (ACA>AAA). This variant, also known as BRCA2 683C>A using alternate nomenclature, was observed in one individual with breast cancer (Borg 2010). Splicing functional minigene assays by Sanz et al. (2010) showed a splicing effect with partial skipping of exon 5, leading authors to classify this variant as uncertain. BRCA2 Thr152Lys was not observed in large population cohorts (Lek 2016). Since Threonine and Lysine differ in some properties, this is considered a semi-conservative amino acid substitution. BRCA2 Thr152Lys occurs at a position that is conserved across species and is not located in a known functional domain. In silico analyses are inconsistent regarding the effect this variant may have on protein structure and function. Based on currently available evidence, it is unclear whether BRCA2 Thr152Lys is a pathogenic or benign variant. We consider it to be a variant of uncertain significance.

Sharing Clinical Reports Project (SCRP)
Classification: Likely benign for Breast-ovarian cancer, familial 2. Last evaluated: 2011-02-28. Review status: no assertion criteria provided. Collection method: clinical testing. Allele origin: germline. Not counted in ClinVar's aggregate classification.

Breast Cancer Information Core (BIC) (BRCA2)
Classification: Uncertain significance for Breast-ovarian cancer, familial 2. Last evaluated: 2002-05-29. Review status: no assertion criteria provided. Collection method: clinical testing. Allele origin: germline. Affected: yes. Observed: 1 variant allele. Not counted in ClinVar's aggregate classification.

Department of Pathology and Laboratory Medicine, Sinai Health System
Classification: Uncertain significance for Breast-ovarian cancer, familial, susceptibility to, 2. Review status: no assertion criteria provided. Collection method: clinical testing. Allele origin: unknown. Affected: yes. Study: The Canadian Open Genetics Repository (COGR). Not counted in ClinVar's aggregate classification.
Comment: The BRCA2 p.Thr152Lys variant was identified in 2 of 5582 proband chromosomes (frequency: 0.0004) from individuals or families with hereditary breast and ovarian cancer (Borg 2010, Sanz 2010). The variant was identified in dbSNP (rs80358691) as â€šÃ„Ãºwith other alleleâ€šÃ„Ã¹ and ClinVar (classified as uncertain significance by Invitae, Color, GeneDx, Ambry Genetics and 2 other submitters; and as likely benign by SCRP). The variant was not identified in LOVD 3.0 or UMD-LSDB. The variant was not identified in the following control databases: the Exome Aggregation Consortium (August 8th 2016) or the Genome Aggregation Database (Feb 27, 2017). An RT-PCR experiment detected a partial deletion of exon 5 indicating the variant may cause splicing defects (Sanz 2010); however, further analysis of alternative BRCA2 transcripts identified the partial deletion of exon 5 in cells lacking the variant, indicating this event may be independent of the mutation (Fackenthal 2016). Although the p.Thr152 residue is not conserved in mammals and other organisms, 4 of 5 computational analyses (PolyPhen-2, SIFT, AlignGVGD, BLOSUM, MutationTaster) suggest that the variant may impact the protein; this information is not predictive enough to assume pathogenicity. The variant occurs outside of the splicing consensus sequence and 1 of 4 in silico or computational prediction software programs (SpliceSiteFinder, MaxEntScan, NNSPLICE, GeneSplicer) predict a greater than 10% difference in splicing; this is not very predictive of pathogenicity. In summary, based on the above information, the clinical significance of this variant cannot be determined with certainty at this time. This variant is classified as a variant of uncertain significance.

Literature cited by the submitters: PubMed 20104584 (cited by 4 submitters); PubMed 21520273 (cited by Women's Health and Genetics/Laboratory Corporation of America, LabCorp and Quest Diagnostics Nichols Institute San Juan Capistrano); PubMed 20215541 (cited by 4 submitters); PubMed 35428255 (cited by Women's Health and Genetics/Laboratory Corporation of America, LabCorp and Quest Diagnostics Nichols Institute San Juan Capistrano); PubMed 27060066 (cited by Color Diagnostics, LLC DBA Color Health and All of Us Research Program, National Institutes of Health); PubMed 31131967 (cited by 3 submitters); PubMed 31853058 (cited by Color Diagnostics, LLC DBA Color Health); PubMed 32885271 (cited by 3 submitters).

NM_000059.4(BRCA2):c.455C>A (p.Thr152Lys)

Gene: BRCA2 (BRCA2 DNA repair associated; plus strand). Cytogenetic location: 13q13.1.
Variant type: single nucleotide variant.
Coding change: c.455C>A on transcript NM_000059.4 (MANE Select); coding-DNA position 455, C replaced by A.
Protein change: p.Thr152Lys; replaces threonine 152 with lysine.
Molecular consequence: missense variant.
Genome position (GRCh38, 1-based): chr13:32,326,130, C>A. VCF-style: chr13-32326130-C-A. GRCh37 (hg19) VCF-style: chr13-32900267-C-A.
Other names: p.T152K:ACA>AAA; 683C>A; short protein forms T152K.
Identifiers: ClinVar variation 51674 (VCV000051674.34), dbSNP rs80358691, ClinGen allele CA020444.
Genomic context (GRCh38, chr13:32,326,130, plus strand): 5'-AACCTAAGGGATTTGCTTTGTTTTATTTTAGTCCTGTTGTTCTACAATGTACACATGTAA[C>A]ACCACAAAGAGATAAGTCAGGTATGATTAAAAACAATGCTTTTTATTCTTAGAATACTAG-3'
Protein context (NP_000050.3, residues 142-162): SPVVLQCTHV[Thr152Lys]PQRDKSVVCG